The following is an entry in ClinVar:

ClinVar aggregate classification (germline): Uncertain significance (1 of 4 stars; one submission).

Conditions:
Susceptibility to respiratory infections associated with CD8alpha chain mutation (IMD116). Also called: IMMUNODEFICIENCY 116; Cd8 deficiency, familial. Identifiers: Orphanet 169085, MedGen C1837065, MONDO:0012161, OMIM 608957.

Allele frequency attached by ClinVar (database versions not stated): gnomAD exomes below 0.00001; ExAC 0.00001; TOPMed 0.00001; gnomAD 0.00002 and 0.00003; 1000 Genomes Project 30x 0.00031.
gnomAD v4.1: 9 of 1,613,012 alleles (0.00056%); highest among the groups gnomAD compares: Admixed American, 0.0083%; no homozygotes.

Submission:

Labcorp Genetics (formerly Invitae), Labcorp
Classification: Uncertain significance for Susceptibility to respiratory infections associated with CD8alpha chain mutation. Last evaluated: 2023-12-06. Review status: criteria provided, single submitter. Criteria: Invitae Variant Classification Sherloc (09022015). Collection method: clinical testing. Allele origin: germline.
Comment: This sequence change replaces asparagine, which is neutral and polar, with serine, which is neutral and polar, at codon 120 of the CD8A protein (p.Asn120Ser). This variant is present in population databases (rs201385983, gnomAD 0.003%). This variant has not been reported in the literature in individuals affected with CD8A-related conditions. ClinVar contains an entry for this variant (Variation ID: 1498875). Algorithms developed to predict the effect of missense changes on protein structure and function output the following: SIFT: "Not Available"; PolyPhen-2: "Benign"; Align-GVGD: "Not Available". The serine amino acid residue is found in multiple mammalian species, which suggests that this missense change does not adversely affect protein function. In summary, the available evidence is currently insufficient to determine the role of this variant in disease. Therefore, it has been classified as a Variant of Uncertain Significance.

NM_001768.7(CD8A):c.359A>G (p.Asn120Ser)

Gene: CD8A (CD8 subunit alpha; minus strand). Cytogenetic location: 2p11.2.
Variant type: single nucleotide variant.
Coding change: c.359A>G on transcript NM_001768.7 (MANE Select); coding-DNA position 359, A replaced by G.
Protein change: p.Asn120Ser; replaces asparagine 120 with serine.
Molecular consequence: missense variant. On other transcripts: non-coding transcript variant (3).
Genome position (GRCh38, 1-based): chr2:86,790,372, T>C on the plus strand (A>G on the coding strand, the complement: CD8A is on the minus strand). VCF-style: chr2-86790372-T-C. GRCh37 (hg19) VCF-style: chr2-87017495-T-C.
Other names: c.359A>G, p.Asn120Ser (NM_001145873.1, NM_001382698.1, NM_171827.4); short protein forms N120S.
Identifiers: ClinVar variation 1498875 (VCV001498875.6), dbSNP rs201385983, ClinGen allele CA1751219.